The following is an entry in ClinVar:

ClinVar aggregate classification (germline): Pathogenic (1 of 4 stars; one submission).

Submission:

Labcorp Genetics (formerly Invitae), Labcorp
Classification: Pathogenic. Last evaluated: 2025-02-19. Review status: criteria provided, single submitter. Criteria: Invitae Variant Classification Sherloc (09022015). Collection method: clinical testing. Allele origin: germline.
Comment: This sequence change creates a premature translational stop signal (p.Val368Hisfs*4) in the ALPK3 gene. It is expected to result in an absent or disrupted protein product. Loss-of-function variants in ALPK3 are known to be pathogenic (PMID: 21441111, 26846950, 27106955, 34263907). This variant is not present in population databases (gnomAD no frequency). This variant has not been reported in the literature in individuals affected with ALPK3-related conditions. ClinVar contains an entry for this variant (Variation ID: 1361449). For these reasons, this variant has been classified as Pathogenic.

Literature cited by the submitters: PubMed 21441111; PubMed 26846950; PubMed 27106955; PubMed 34263907.

NM_020778.5(ALPK3):c.496_509del (p.Val166fs)

Gene: ALPK3 (alpha kinase 3; plus strand). Cytogenetic location: 15q25.3.
Variant type: Deletion.
Coding change: c.496_509del on transcript NM_020778.5 (MANE Select); coding-DNA positions 496 to 509, 14 bases deleted (GTCCTGGAGGTGGG).
Protein change: p.Val166fs; shifts the reading frame from valine 166.
Molecular consequence: frameshift variant.
Genome position (GRCh38, 1-based): chr15:84,839,775-84,839,788, GTCCTGGAGGTGGG deleted; deleting any 14 consecutive bases within chr15:84,839,772-84,839,788 gives the same sequence; the c. name uses the placement nearest the transcript's 3' end. VCF-style (leftmost placement, unchanged base first): chr15-84839771-AGGGGTCCTGGAGGT-A. GRCh37 (hg19) VCF-style: chr15-85383002-AGGGGTCCTGGAGGT-A.
Other names: short protein forms V166fs.
Identifiers: ClinVar variation 1361449 (VCV001361449.6), dbSNP rs1466450842, ClinGen allele CA716468491.
Genomic context (GRCh38, chr15:84,839,771, plus strand): 5'-AGAAGATGCCGCCATCTACCAGGCCTCTGCCCAGAACAGCAAGGGCATTGTGTCCTGCTC[AGGGGTCCTGGAGGT>A]GGGCACCATGACTGAGTACAAGATCCACCAGCGCTGGTTCGCCAAGTTGAAGCGCAAGGC-3'